The following is an entry in ClinVar:

NM_016252.4(BIRC6):c.5991G>A (p.Ala1997=)

Gene: BIRC6 (baculoviral IAP repeat containing 6; plus strand). Cytogenetic location: 2p22.3.
Variant type: single nucleotide variant.
Coding change: c.5991G>A on transcript NM_016252.4 (MANE Select); coding-DNA position 5991, G replaced by A.
Protein change: p.Ala1997=; no amino-acid change (alanine 1997 retained).
Molecular consequence: synonymous variant.
Genome position (GRCh38, 1-based): chr2:32,468,647, G>A. VCF-style: chr2-32468647-G-A. GRCh37 (hg19) VCF-style: chr2-32693715-G-A.
Other names: c.5961G>A, p.Ala1987= (NM_001378125.1).
Identifiers: ClinVar variation 3034638 (VCV003034638.2), dbSNP rs368352862, ClinGen allele CA1603761.

ClinVar aggregate classification (germline): Likely benign (0 of 4 stars; one submission).

Conditions:
BIRC6-related disorder. Also called: BIRC6-related condition.

Allele frequency attached by ClinVar (database versions not stated): TOPMed 0.00007; ESP Exome Variant Server 0.00008; gnomAD exomes 0.00022; ExAC 0.00036; gnomAD 0.00056.

Submission:

PreventionGenetics, part of Exact Sciences
Classification: Likely benign for BIRC6-related condition. Last evaluated: 2019-08-06. Review status: no assertion criteria provided. Collection method: clinical testing. Allele origin: germline.
Comment: This variant is classified as likely benign based on ACMG/AMP sequence variant interpretation guidelines (Richards et al. 2015 PMID: 25741868, with internal and published modifications).